The following is an entry in ClinVar:

NM_005343.4(HRAS):c.566C>T (p.Ser189Phe)

Genes: HRAS (HRas proto-oncogene, GTPase; minus strand), LRRC56 (leucine rich repeat containing 56; plus strand). Cytogenetic location: 11p15.5.
Variant type: single nucleotide variant.
Coding change: c.566C>T on transcript NM_005343.4 (MANE Select); coding-DNA position 566, C replaced by T.
Protein change: p.Ser189Phe; replaces serine 189 with phenylalanine.
Molecular consequence: missense variant. On other transcripts: 3 prime UTR variant (1).
Genome position (GRCh38, 1-based): chr11:532,640, G>A on the plus strand (C>T on the coding strand, the complement: HRAS is on the minus strand). VCF-style: chr11-532640-G-A. GRCh37 (hg19) VCF-style: chr11-532640-G-A.
Other names: c.566C>T, p.Ser189Phe (NM_001130442.3); c.329C>T, p.Ser110Phe (NM_001318054.2); c.*135C>T (NM_176795.5); short protein forms S110F, S189F.
Identifiers: ClinVar variation 940755 (VCV000940755.10), dbSNP rs1851173218, ClinGen allele CA378920852.

ClinVar aggregate classification (germline): Uncertain significance (1 of 4 stars; one submission).

Conditions:
Costello syndrome (CSTLO). Also called: FACIOCUTANEOSKELETAL SYNDROME; HRAS-Related Costello Syndrome; FCS SYNDROME. Identifiers: Orphanet 3071, MedGen C0587248, MONDO:0009026, OMIM 218040.

Allele frequency attached by ClinVar (database versions not stated): TOPMed below 0.00001; gnomAD 0.00001.
gnomAD v4.1: 1 of 1,611,538 alleles (0.000062%); highest among the groups gnomAD compares: African/African-American, 0.0013%; no homozygotes.

Submission:

Labcorp Genetics (formerly Invitae), Labcorp
Classification: Uncertain significance for Costello syndrome. Last evaluated: 2024-02-17. Review status: criteria provided, single submitter. Criteria: Invitae Variant Classification Sherloc (09022015). Collection method: clinical testing. Allele origin: germline.
Comment: This sequence change replaces serine, which is neutral and polar, with phenylalanine, which is neutral and non-polar, at codon 189 of the HRAS protein (p.Ser189Phe). This variant is not present in population databases (gnomAD no frequency). This variant has not been reported in the literature in individuals affected with HRAS-related conditions. ClinVar contains an entry for this variant (Variation ID: 940755). Advanced modeling of protein sequence and biophysical properties (such as structural, functional, and spatial information, amino acid conservation, physicochemical variation, residue mobility, and thermodynamic stability) performed at Invitae indicates that this missense variant is not expected to disrupt HRAS protein function with a negative predictive value of 95%. In summary, the available evidence is currently insufficient to determine the role of this variant in disease. Therefore, it has been classified as a Variant of Uncertain Significance.